The following is an entry in ClinVar:

ClinVar aggregate classification (germline): Uncertain significance (1 of 4 stars; one submission).

Conditions:
Lafora disease. Also called: Progressive Myoclonus Epilepsy, Lafora Type; Epilepsy progressive myoclonic 2. Identifiers: Orphanet 501, MedGen C0751783, MONDO:0009697.

Allele frequency attached by ClinVar (database versions not stated): gnomAD exomes below 0.00001.
gnomAD v4.1: 1 of 1,613,860 alleles (0.000062%); highest among the groups gnomAD compares: South Asian, 0.0011%; no homozygotes.

Submission:

Labcorp Genetics (formerly Invitae), Labcorp
Classification: Uncertain significance for Lafora disease. Last evaluated: 2022-06-17. Review status: criteria provided, single submitter. Criteria: Invitae Variant Classification Sherloc (09022015). Collection method: clinical testing. Allele origin: germline.
Comment: In summary, the available evidence is currently insufficient to determine the role of this variant in disease. Therefore, it has been classified as a Variant of Uncertain Significance. Algorithms developed to predict the effect of missense changes on protein structure and function (SIFT, PolyPhen-2, Align-GVGD) all suggest that this variant is likely to be tolerated. This variant has not been reported in the literature in individuals affected with NHLRC1-related conditions. This variant is not present in population databases (gnomAD no frequency). This sequence change replaces lysine, which is basic and polar, with glutamic acid, which is acidic and polar, at codon 152 of the NHLRC1 protein (p.Lys152Glu).

NM_198586.3(NHLRC1):c.454A>G (p.Lys152Glu)

Gene: NHLRC1 (NHL repeat containing E3 ubiquitin protein ligase 1; minus strand). Cytogenetic location: 6p22.3.
Variant type: single nucleotide variant.
Coding change: c.454A>G on transcript NM_198586.3 (MANE Select); coding-DNA position 454, A replaced by G.
Protein change: p.Lys152Glu; replaces lysine 152 with glutamic acid.
Molecular consequence: missense variant.
Genome position (GRCh38, 1-based): chr6:18,122,153, T>C on the plus strand (A>G on the coding strand, the complement: NHLRC1 is on the minus strand). VCF-style: chr6-18122153-T-C. GRCh37 (hg19) VCF-style: chr6-18122384-T-C.
Other names: short protein forms K152E.
Identifiers: ClinVar variation 2007747 (VCV002007747.4), dbSNP rs2533897102, ClinGen allele CA362827981.